The following is an entry in ClinVar:

ClinVar aggregate classification (germline): Uncertain significance (0 of 4 stars; one submission).

Conditions:
GLRA2-related disorder. Also called: GLRA2-related condition.

Submissions (2):

PreventionGenetics, part of Exact Sciences
Classification: Uncertain significance for GLRA2-related condition. Last evaluated: 2023-10-27. Review status: no assertion criteria provided. Collection method: clinical testing. Allele origin: germline.
Comment: The GLRA2 c.249A>G variant is not predicted to result in an amino acid change (p.=). To our knowledge, this variant has not been reported in the literature or in a large population database, indicating this variant is rare. This variant is predicted to alter splicing based on available splicing prediction software (SpliceAI, Jaganathan et al. 2019. PubMed ID: 30661751). However, the use of computer prediction software is not equivalent to functional evidence." At this time, the clinical significance of this variant is uncertain due to the absence of conclusive functional and genetic evidence.

Dr. Peter K. Rogan Lab, Western University
No classification provided (evidence only). Condition: Nonpapillary renal cell carcinoma. Review status: no classification provided. Collection method: in vitro. Allele origin: not applicable. Functional consequence: retained intron. Not counted in ClinVar's aggregate classification.

NM_002063.4(GLRA2):c.249A>G (p.Gly83=)

Gene: GLRA2 (glycine receptor alpha 2; plus strand). Cytogenetic location: Xp22.2.
Variant type: single nucleotide variant.
Coding change: c.249A>G on transcript NM_002063.4 (MANE Select); coding-DNA position 249, A replaced by G.
Protein change: p.Gly83=; no amino-acid change (glycine 83 retained).
Molecular consequence: synonymous variant. On other transcripts: 5 prime UTR variant (1), intron variant (1).
Genome position (GRCh38, 1-based): chrX:14,574,379, A>G. VCF-style: chrX-14574379-A-G. GRCh37 (hg19) VCF-style: chrX-14592501-A-G.
Other names: NC_000023.10:g.14592501A>G; c.249A>G, p.Gly83= (NM_001118885.2); c.-19A>G (NM_001171942.2); c.203-113A>G (NM_001118886.2).
Identifiers: ClinVar variation 3037510 (VCV003037510.3), dbSNP rs2518519417, ClinGen allele CA515548191.
Genomic context (GRCh38, chrX:14,574,379, plus strand): 5'-ATTGCATTCTGCAGGTCCTCCAGTAAACGTTACTTGCAATATTTTTATCAACAGTTTTGG[A>G]TCAGTCACAGAAACGACCATGGTAAGTGCTGCAATGCCACTGGCAAGAGAAAGACACAAC-3'
Protein context (NP_002054.1, residues 73-93): VTCNIFINSF[Gly83=]SVTETTMDYR